The following is an entry in ClinVar:

NM_002109.6(HARS1):c.631-3C>A

Gene: HARS1 (histidyl-tRNA synthetase 1; minus strand). Cytogenetic location: 5q31.3.
Variant type: single nucleotide variant.
Coding change: c.631-3C>A on transcript NM_002109.6 (MANE Select); 3 bases into the intron before coding-DNA position 631, C replaced by A.
Molecular consequence: intron variant.
Genome position (GRCh38, 1-based): chr5:140,677,756, G>T on the plus strand (C>A on the coding strand, the complement: HARS1 is on the minus strand). VCF-style: chr5-140677756-G-T. GRCh37 (hg19) VCF-style: chr5-140057341-G-T.
Other names: c.544-3C>A (NM_001289094.2); c.289-3C>A (NM_001289093.2); c.451-3C>A (NM_001258042.3); c.511-3C>A (NM_001258040.3); c.409-3C>A (NM_001289092.2); c.571-3C>A (NM_001258041.3).
Identifiers: ClinVar variation 3367689 (VCV003367689.3).
Genomic context (GRCh38, chr5:140,677,756, plus strand): 5'-TGCTGTCAGAAACACCACAGATAGCAAACATCCCATCTAGAATGCGTCGATCGTTTACCT[G>T]CAAGGAACCAATGCATAGTGAGGGGGGAATCTCTTTTCTTACATGACCTGCAATAGTCAT-3'

ClinVar aggregate classification (germline): Uncertain significance. Review status: criteria provided, multiple submitters, no conflicts (2 of 4 stars). 2 submissions from 2 submitters: Uncertain significance (2). Last evaluated 2024-08-12.

Conditions:
Usher syndrome type 3B. Also called: USHER SYNDROME, TYPE IIIB. Identifiers: MedGen C3281066, MONDO:0013788, OMIM 614504.

gnomAD v4.1: 6 of 1,598,772 alleles (0.00038%); highest among the groups gnomAD compares: Admixed American, 0.0017%; no homozygotes.

Submissions (2):

Labcorp Genetics (formerly Invitae), Labcorp
Classification: Uncertain significance for Usher syndrome type 3B. Last evaluated: 2024-08-12. Review status: criteria provided, single submitter. Criteria: Invitae Variant Classification Sherloc (09022015). Collection method: clinical testing. Allele origin: germline.
Comment: This sequence change falls in intron 6 of the HARS gene. It does not directly change the encoded amino acid sequence of the HARS protein. It affects a nucleotide within the consensus splice site. This variant is present in population databases (rs533067917, gnomAD 0.003%). This variant has not been reported in the literature in individuals affected with HARS-related conditions. Variants that disrupt the consensus splice site are a relatively common cause of aberrant splicing (PMID: 17576681, 9536098). Algorithms developed to predict the effect of sequence changes on RNA splicing suggest that this variant may disrupt the consensus splice site. In summary, the available evidence is currently insufficient to determine the role of this variant in disease. Therefore, it has been classified as a Variant of Uncertain Significance.

GeneDx
Classification: Uncertain significance. Last evaluated: 2024-01-08. Review status: criteria provided, single submitter. Criteria: GeneDx Variant Classification Process June 2021. Collection method: clinical testing. Allele origin: germline. Affected: yes.
Comment: Not observed at significant frequency in large population cohorts (gnomAD); In silico analysis supports a deleterious effect on splicing; Has not been previously published as pathogenic or benign to our knowledge

Literature cited by the submitters: PubMed 17576681 (cited by Labcorp Genetics (formerly Invitae), Labcorp); PubMed 9536098 (cited by Labcorp Genetics (formerly Invitae), Labcorp).